The following is an entry in ClinVar:

NM_000021.4(PSEN1):c.1078G>A (p.Ala360Thr)

Gene: PSEN1 (presenilin 1; plus strand). Cytogenetic location: 14q24.2.
Variant type: single nucleotide variant.
Coding change: c.1078G>A on transcript NM_000021.4 (MANE Select); coding-DNA position 1078, G replaced by A.
Protein change: p.Ala360Thr; replaces alanine 360 with threonine.
Molecular consequence: missense variant.
Genome position (GRCh38, 1-based): chr14:73,211,891, G>A. VCF-style: chr14-73211891-G-A. GRCh37 (hg19) VCF-style: chr14-73678599-G-A.
Other names: c.1066G>A, p.Ala356Thr (NM_007318.3); short protein forms A360T, A356T.
Identifiers: ClinVar variation 643888 (VCV000643888.12), dbSNP rs199715992, ClinGen allele CA7256917.

ClinVar aggregate classification (germline): Conflicting classifications of pathogenicity. Review status: criteria provided, conflicting classifications (1 of 4 stars). 5 submissions from 4 submitters: Uncertain significance (4); Likely benign (1). Last evaluated 2025-07-09.

Conditions:
Alzheimer disease 3 (AD3). Also called: ALZHEIMER DISEASE, FAMILIAL, 3. Identifiers: Orphanet 1020, MedGen C1843013, MONDO:0011913, OMIM 607822.
Frontotemporal dementia (FTD1). Also called: Frontotemporal lobe dementia (FLDEM); FRONTOTEMPORAL LOBAR DEGENERATION WITH TAU INCLUSIONS; FTLD WITH TAU INCLUSIONS; Frontotemporal Dementia with Parkinsonism-17 (FTDP-17); FRONTOTEMPORAL DEMENTIA WITH PARKINSONISM; FRONTOTEMPORAL LOBE DEMENTIA. Identifiers: Orphanet 282, MedGen C0338451, MONDO:0017276, OMIM 600274, HP:0002145.
Pick disease. Also called: Pick's disease; PICK DISEASE OF BRAIN; DEMENTIA WITH LOBAR ATROPHY AND NEURONAL CYTOPLASMIC INCLUSIONS; Pick Disease of the Brain; LOBAR ATROPHY OF BRAIN. Identifiers: Orphanet 282, MedGen C0236642, MONDO:0008243, OMIM 172700.
Acne inversa, familial, 3 (ACNINV3). Identifiers: MedGen C3151038, MONDO:0013398, OMIM 613737.
Dilated cardiomyopathy 1U. Identifiers: Orphanet 154, MedGen C3160720, MONDO:0013371, OMIM 613694.

Allele frequency attached by ClinVar (database versions not stated): gnomAD exomes 0.00003 and 0.00006; ExAC 0.00004.

Submissions (5):

Labcorp Genetics (formerly Invitae), Labcorp
Classification: Uncertain significance for Alzheimer disease 3; Pick disease; Acne inversa, familial, 3; Frontotemporal dementia. Last evaluated: 2025-07-09. Review status: criteria provided, single submitter. Criteria: Invitae Variant Classification Sherloc (09022015). Collection method: clinical testing. Allele origin: germline.
Comment: This sequence change replaces alanine, which is neutral and non-polar, with threonine, which is neutral and polar, at codon 360 of the PSEN1 protein (p.Ala360Thr). This variant is present in population databases (rs199715992, gnomAD 0.006%). This missense change has been observed in individual(s) with early-onset Alzheimer's disease (PMID: 28350801). Invitae Evidence Modeling of clinical and family history, age, sex, and reported ancestry of multiple individuals with this PSEN1 variant has been performed. This variant is expected to be benign with a negative predictive value of at least 95%. This is a validated machine learning model that incorporates the clinical features of 21,034 individuals referred to our laboratory for PSEN1 testing. ClinVar contains an entry for this variant (Variation ID: 643888). Invitae Evidence Modeling of protein sequence and biophysical properties (such as structural, functional, and spatial information, amino acid conservation, physicochemical variation, residue mobility, and thermodynamic stability) has been performed for this missense variant. However, the output from this modeling did not meet the statistical confidence thresholds required to predict the impact of this variant on PSEN1 protein function. In summary, the available evidence is currently insufficient to determine the role of this variant in disease. Therefore, it has been classified as a Variant of Uncertain Significance.

Athena Diagnostics
Classification: Uncertain significance. Last evaluated: 2025-06-12. Review status: criteria provided, single submitter. Criteria: Athena Diagnostics Criteria. Collection method: clinical testing. Allele origin: unknown.
Comment: Available data are insufficient to determine the clinical significance of the variant at this time. The frequency of this variant in the general population is higher than would generally be expected for pathogenic variants in this gene. Computational tools disagree on the variant's effect on normal protein function.

Blueprint Genetics
Classification: Likely benign. Last evaluated: 2024-02-23. Review status: criteria provided, single submitter. Criteria: ACMG Guidelines, 2015. Collection method: clinical testing. Allele origin: germline.

Illumina Laboratory Services, Illumina
Classification: Uncertain significance for Dilated cardiomyopathy 1U. Last evaluated: 2018-01-13. Review status: criteria provided, single submitter. Criteria: ICSL Variant Classification Criteria 13 December 2019. Collection method: clinical testing. Allele origin: germline.

Illumina Laboratory Services, Illumina
Classification: Uncertain significance for Alzheimer disease 3. Last evaluated: 2018-01-13. Review status: criteria provided, single submitter. Criteria: ICSL Variant Classification Criteria 13 December 2019. Collection method: clinical testing. Allele origin: germline.

Literature cited by the submitters: PubMed 28350801 (cited by Labcorp Genetics (formerly Invitae), Labcorp and Athena Diagnostics); PubMed 36464806 (cited by Athena Diagnostics).